The following is an entry in ClinVar:

ClinVar aggregate classification (germline): Uncertain significance (1 of 4 stars; one submission).

Conditions:
Regional enteritis. Also called: Enteritis, Granulomatous. Identifiers: MedGen C0678202, MeSH D003424.
Blau syndrome (BLAUS). Also called: ARTHROCUTANEOUVEAL GRANULOMATOSIS; GRANULOMATOSIS, FAMILIAL JUVENILE SYSTEMIC; GRANULOMATOSIS, FAMILIAL, BLAU TYPE; GRANULOMATOUS INFLAMMATORY ARTHRITIS, DERMATITIS, AND UVEITIS, FAMILIAL; JABS SYNDROME. Identifiers: Orphanet 90340, MedGen C5201146, MONDO:0008523, OMIM 186580.

gnomAD v4.1: 18 of 1,593,120 alleles (0.0011%); highest among the groups gnomAD compares: South Asian, 0.018%; no homozygotes.

Submission:

Labcorp Genetics (formerly Invitae), Labcorp
Classification: Uncertain significance for Regional enteritis; Blau syndrome. Last evaluated: 2025-07-20. Review status: criteria provided, single submitter. Criteria: Invitae Variant Classification Sherloc (09022015). Collection method: clinical testing. Allele origin: germline.
Comment: This sequence change falls in intron 3 of the NOD2 gene. It does not directly change the encoded amino acid sequence of the NOD2 protein. It affects a nucleotide within the consensus splice site. This variant is present in population databases (rs776802652, gnomAD 0.02%). This variant has not been reported in the literature in individuals affected with NOD2-related conditions. Variants that disrupt the consensus splice site are a relatively common cause of aberrant splicing (PMID: 17576681, 9536098). Algorithms developed to predict the effect of sequence changes on RNA splicing suggest that this variant is not likely to affect RNA splicing. In summary, the available evidence is currently insufficient to determine the role of this variant in disease. Therefore, it has been classified as a Variant of Uncertain Significance.

Literature cited by the submitters: PubMed 17576681; PubMed 9536098.

NM_001370466.1(NOD2):c.565+4G>C

Gene: NOD2 (nucleotide binding oligomerization domain containing 2; plus strand). Cytogenetic location: 16q12.1.
Variant type: single nucleotide variant.
Coding change: c.565+4G>C on transcript NM_001370466.1 (MANE Select); 4 bases into the intron after coding-DNA position 565, G replaced by C.
Molecular consequence: intron variant.
Genome position (GRCh38, 1-based): chr16:50,707,964, G>C. VCF-style: chr16-50707964-G-C. GRCh37 (hg19) VCF-style: chr16-50741875-G-C.
Other names: c.646+4G>C (NM_022162.3); c.565+4G>C (NM_001293557.2).
Identifiers: ClinVar variation 4788115 (VCV004788115.1).
Genomic context (GRCh38, chr16:50,707,964, plus strand): 5'-CCTTCCTTCTACAACATGTTCAGGAATTACCAGTCCCATTGGCCCTGCCTTTGGAAGGTA[G>C]GTGTATGTTCTCAGTTAATCAGAAAGGGAAGGGCAGTCAGTGCAGATCCATGGTTAAGAG-3'